The following is an entry in ClinVar:

NM_005450.6(NOG):c.191C>T (p.Thr64Met)

Gene: NOG (noggin; plus strand). Cytogenetic location: 17q22.
Variant type: single nucleotide variant.
Coding change: c.191C>T on transcript NM_005450.6 (MANE Select); coding-DNA position 191, C replaced by T.
Protein change: p.Thr64Met; replaces threonine 64 with methionine.
Molecular consequence: missense variant.
Genome position (GRCh38, 1-based): chr17:56,594,414, C>T. VCF-style: chr17-56594414-C-T. GRCh37 (hg19) VCF-style: chr17-54671775-C-T.
Other names: short protein forms T64M.
Identifiers: ClinVar variation 4770431 (VCV004770431.1).

ClinVar aggregate classification (germline): Uncertain significance (1 of 4 stars; one submission).

Submission:

Labcorp Genetics (formerly Invitae), Labcorp
Classification: Uncertain significance. Last evaluated: 2026-01-19. Review status: criteria provided, single submitter. Criteria: Invitae Variant Classification Sherloc (09022015). Collection method: clinical testing. Allele origin: germline.
Comment: This sequence change replaces threonine, which is neutral and polar, with methionine, which is neutral and non-polar, at codon 64 of the NOG protein (p.Thr64Met). This variant is not present in population databases (gnomAD no frequency). This variant has not been reported in the literature in individuals affected with NOG-related conditions. An algorithm developed to predict the effect of missense changes on protein structure and function (PolyPhen-2) suggests that this variant is likely to be disruptive. In summary, the available evidence is currently insufficient to determine the role of this variant in disease. Therefore, it has been classified as a Variant of Uncertain Significance.